The following is an entry in ClinVar:

ClinVar aggregate classification (germline): Uncertain significance (1 of 4 stars; one submission).

Allele frequency attached by ClinVar (database versions not stated): gnomAD 0.00002; TOPMed 0.00002.
gnomAD v4.1: 9 of 1,591,180 alleles (0.00057%); highest among the groups gnomAD compares: Non-Finnish European, 0.00078%; no homozygotes.

Submission:

Labcorp Genetics (formerly Invitae), Labcorp
Classification: Uncertain significance. Last evaluated: 2026-01-09. Review status: criteria provided, single submitter. Criteria: Invitae Variant Classification Sherloc (09022015). Collection method: clinical testing. Allele origin: germline.
Comment: This sequence change replaces glycine, which is neutral and non-polar, with alanine, which is neutral and non-polar, at codon 216 of the POLE2 protein (p.Gly216Ala). This variant is present in population databases (no rsID available, gnomAD 0.002%). This variant has not been reported in the literature in individuals affected with POLE2-related conditions. ClinVar contains an entry for this variant (Variation ID: 1468833). An algorithm developed to predict the effect of missense changes on protein structure and function (PolyPhen-2) suggests that this variant is likely to be disruptive. In summary, the available evidence is currently insufficient to determine the role of this variant in disease. Therefore, it has been classified as a Variant of Uncertain Significance.

NM_002692.4(POLE2):c.647G>C (p.Gly216Ala)

Gene: POLE2 (DNA polymerase epsilon 2, accessory subunit; minus strand). Cytogenetic location: 14q21.3.
Variant type: single nucleotide variant.
Coding change: c.647G>C on transcript NM_002692.4 (MANE Select); coding-DNA position 647, G replaced by C.
Protein change: p.Gly216Ala; replaces glycine 216 with alanine.
Molecular consequence: missense variant.
Genome position (GRCh38, 1-based): chr14:49,664,661, C>G on the plus strand (G>C on the coding strand, the complement: POLE2 is on the minus strand). VCF-style: chr14-49664661-C-G. GRCh37 (hg19) VCF-style: chr14-50131379-C-G.
Other names: c.569G>C, p.Gly190Ala (NM_001197330.2); c.647G>C, p.Gly216Ala (NM_001197331.3, NM_001348384.2); c.416G>C, p.Gly139Ala (NM_001348385.2); short protein forms G190A, G139A, G216A.
Identifiers: ClinVar variation 1468833 (VCV001468833.8), dbSNP rs920066811, ClinGen allele CA260657893.